The following is an entry in ClinVar:

NC_000005.10:g.(?_1258588)_(1295046_?)dup

Gene: TERT (telomerase reverse transcriptase; minus strand). Cytogenetic location: 5p15.33.
Variant type: Duplication.
Identifiers: ClinVar variation 832864 (VCV000832864.42).

ClinVar aggregate classification (germline): Uncertain significance (1 of 4 stars; one submission).

Conditions:
Dyskeratosis congenita, autosomal dominant 2. Identifiers: MedGen C3151443, MONDO:0013521, OMIM 613989.
Idiopathic Pulmonary Fibrosis. Also called: Idiopathic fibrosing alveolitis, chronic form; idiopathic fibrosing alveolitis. Identifiers: Orphanet 2032, MedGen C1800706, MeSH D054990, MONDO:0800504.

Submission:

Labcorp Genetics (formerly Invitae), Labcorp
Classification: Uncertain significance for Dyskeratosis congenita, autosomal dominant 2; Idiopathic Pulmonary Fibrosis. Last evaluated: 2019-05-15. Review status: criteria provided, single submitter. Criteria: Invitae Variant Classification Sherloc (09022015). Collection method: clinical testing. Allele origin: germline.
Comment: This variant results in a copy number gain of the genomic region encompassing exons 1-13 of the TERT gene, which includes the initiator codon. The 5' end of this event is unknown as it extends beyond the assayed region for this gene and therefore may encompass additional genes. The 3' boundary is likely confined to intron 13 of the TERT gene. As the precise location of this event is unknown, it may be in tandem or it may be located elsewhere in the genome. This variant has not been reported in the literature in individuals with TERT-related conditions. Experimental studies and prediction algorithms are not available or were not evaluated for this variant, and the functional significance of the affected amino acid(s) is currently unknown. In summary, the available evidence is currently insufficient to determine the role of this variant in disease. Therefore, it has been classified as a Variant of Uncertain Significance.